The following is an entry in ClinVar:

ClinVar aggregate classification (germline): Likely pathogenic (1 of 4 stars; one submission).

Conditions:
Basal cell nevus syndrome 1 (BCNS1). Also called: GORLIN-GOLTZ SYNDROME; MULTIPLE BASAL CELL NEVI, ODONTOGENIC KERATOCYSTS, AND SKELETAL ANOMALIES. Identifiers: MedGen CN376810, MONDO:0958174, OMIM 109400.

Submission:

Clinical Biomedical Laboratory, Shriners Hospital For Children - Canada
Classification: Likely pathogenic for Basal cell nevus syndrome 1. Review status: criteria provided, single submitter. Criteria: ACMG Guidelines, 2015. Collection method: clinical testing. Allele origin: germline. Affected: yes.
Comment: This variant is predicted to affect a canonical splice site in PTCH1. This variant is expected to disrupt RNA splicing and lead to loss of function of the affected allele. Loss-of-function variants in PTCH1 are associated with basal cell nevus syndrome 1, which has overlap with the phenotype of the proband. This variant is absent from the Genome Aggregation Database (v2.1.1), indicating it is very rare. Based on the ACMG variant interpretation guidelines (criteria: PVS1, PM2), the available evidence supports classification of this variant as likely pathogenic.

NM_000264.5(PTCH1):c.3169-1G>C

Gene: PTCH1 (patched 1; minus strand). Cytogenetic location: 9q22.32.
Variant type: single nucleotide variant.
Coding change: c.3169-1G>C on transcript NM_000264.5 (MANE Select); the canonical splice acceptor site of the intron before coding-DNA position 3169, G replaced by C.
Molecular consequence: splice acceptor variant.
Genome position (GRCh38, 1-based): chr9:95,456,414, C>G on the plus strand (G>C on the coding strand, the complement: PTCH1 is on the minus strand). VCF-style: chr9-95456414-C-G. GRCh37 (hg19) VCF-style: chr9-98218696-C-G.
Other names: c.3166-1G>C (NM_001083603.3); c.2971-1G>C (NM_001083602.3); c.3013-1G>C (NM_001354918.2); c.2716-1G>C (NM_001083605.3, NM_001083604.3, NM_001083606.3 and 1 more transcripts).
Identifiers: ClinVar variation 4819355 (VCV004819355.1).